The following is an entry in ClinVar:

ClinVar aggregate classification (germline): Pathogenic (1 of 4 stars; one submission).

Conditions:
Hereditary cancer-predisposing syndrome. Also called: Neoplastic Syndromes, Hereditary; Tumor predisposition; Hereditary Cancer Syndrome; Hereditary neoplastic syndrome. Identifiers: Orphanet 140162, MedGen C0027672, MeSH D009386, MONDO:0015356.

Submission:

Color Diagnostics, LLC DBA Color Health
Classification: Pathogenic for Hereditary cancer-predisposing syndrome. Last evaluated: 2020-03-02. Review status: criteria provided, single submitter. Criteria: ACMG Guidelines, 2015. Collection method: clinical testing. Allele origin: germline.
Comment: This variant changes 1 nucleotide in exon 4 of the PALB2 gene, creating a premature translation stop signal. This variant is expected to result in an absent or non-functional protein product. To our knowledge, this variant has not been reported in individuals affected with hereditary cancer in the literature. This variant has not been identified in the general population by the Genome Aggregation Database (gnomAD). Loss of PALB2 function is a known mechanism of disease. Based on the available evidence, this variant is classified as Pathogenic.

NM_024675.4(PALB2):c.1352T>A (p.Leu451Ter)

Gene: PALB2 (partner and localizer of BRCA2; minus strand). Cytogenetic location: 16p12.2.
Variant type: single nucleotide variant.
Coding change: c.1352T>A on transcript NM_024675.4 (MANE Select); coding-DNA position 1352, T replaced by A.
Protein change: p.Leu451Ter; replaces leucine 451 with a stop codon.
Molecular consequence: nonsense.
Genome position (GRCh38, 1-based): chr16:23,635,194, A>T on the plus strand (T>A on the coding strand, the complement: PALB2 is on the minus strand). VCF-style: chr16-23635194-A-T. GRCh37 (hg19) VCF-style: chr16-23646515-A-T.
Other names: short protein forms L451*.
Identifiers: ClinVar variation 919094 (VCV000919094.3), dbSNP rs1966974831, ClinGen allele CA395131526.